The following is an entry in ClinVar:

NM_003995.4(NPR2):c.1673T>C (p.Ile558Thr)

Gene: NPR2 (natriuretic peptide receptor 2; plus strand). Cytogenetic location: 9p13.3.
Variant type: single nucleotide variant.
Coding change: c.1673T>C on transcript NM_003995.4 (MANE Select); coding-DNA position 1673, T replaced by C.
Protein change: p.Ile558Thr; replaces isoleucine 558 with threonine.
Molecular consequence: missense variant.
Genome position (GRCh38, 1-based): chr9:35,802,246, T>C. VCF-style: chr9-35802246-T-C. GRCh37 (hg19) VCF-style: chr9-35802243-T-C.
Other names: c.1673T>C (NM_003995.3); short protein forms I558T.
Identifiers: ClinVar variation 873128 (VCV000873128.10), dbSNP rs751324720, ClinGen allele CA5051778.

ClinVar aggregate classification (germline): Conflicting classifications of pathogenicity. Review status: criteria provided, conflicting classifications (1 of 4 stars). 4 submissions from 4 submitters: Likely pathogenic (3); Uncertain significance (1). Last evaluated 2025-07-29.

Conditions:
Acromesomelic dysplasia 1, Maroteaux type (AMD1). Also called: ACROMESOMELIC DYSPLASIA 1; ST. HELENA DYSPLASIA. Identifiers: Orphanet 40, MedGen C1864356, MONDO:0011275, OMIM 602875.
Tall stature-scoliosis-macrodactyly of the great toes syndrome. Also called: Epiphyseal chondrodysplasia, miura type. Identifiers: Orphanet 329191, MedGen C4014690, MONDO:0014401, OMIM 615923.

Allele frequency attached by ClinVar (database versions not stated): TOPMed 0.00001.
gnomAD v4.1: 13 of 1,609,046 alleles (0.00081%); highest among the groups gnomAD compares: Non-Finnish European, 0.0011%; no homozygotes.

Submissions (4):

Labcorp Genetics (formerly Invitae), Labcorp
Classification: Likely pathogenic for Tall stature-scoliosis-macrodactyly of the great toes syndrome; Acromesomelic dysplasia 1, Maroteaux type. Last evaluated: 2025-07-29. Review status: criteria provided, single submitter. Criteria: Invitae Variant Classification Sherloc (09022015). Collection method: clinical testing. Allele origin: germline.
Comment: This sequence change replaces isoleucine, which is neutral and non-polar, with threonine, which is neutral and polar, at codon 558 of the NPR2 protein (p.Ile558Thr). This variant is present in population databases (rs751324720, gnomAD 0.002%). This missense change has been observed in individuals with acromesomelic dysplasia, Maroteaux type (PMID: 31990356, 33288834, 36035248). It has also been observed to segregate with disease in related individuals. ClinVar contains an entry for this variant (Variation ID: 873128). Invitae Evidence Modeling of protein sequence and biophysical properties (such as structural, functional, and spatial information, amino acid conservation, physicochemical variation, residue mobility, and thermodynamic stability) indicates that this missense variant is not expected to disrupt NPR2 protein function with a negative predictive value of 80%. In summary, the currently available evidence indicates that the variant is pathogenic, but additional data are needed to prove that conclusively. Therefore, this variant has been classified as Likely Pathogenic.

GeneDx
Classification: Uncertain significance. Last evaluated: 2023-08-23. Review status: criteria provided, single submitter. Criteria: GeneDx Variant Classification Process June 2021. Collection method: clinical testing. Allele origin: germline. Affected: yes.
Comment: In silico analysis supports that this missense variant has a deleterious effect on protein structure/function; Not observed at significant frequency in large population cohorts (gnomAD); This variant is associated with the following publications: (PMID: 36035248, 37019085, 31990356, 33288834, 37561071)

Lupski Lab, Baylor-Hopkins CMG, Baylor College of Medicine
Classification: Likely pathogenic for Acromesomelic dysplasia 1, Maroteaux type. Last evaluated: 2022-06-07. Review status: criteria provided, single submitter. Criteria: ACMG Guidelines, 2015. Collection method: research. Allele origin: inherited. Affected: yes. Observed: 3 variant alleles. Clinical features observed: Macrodactyly of toe (HP:0100747).

Hacettepe Genetic Diseases Diagnosis Center, Hacettepe University Faculty of Medicine
Classification: Likely pathogenic for Acromesomelic dysplasia 1, Maroteaux type. Last evaluated: 2020-04-27. Review status: criteria provided, single submitter. Criteria: ACMG Guidelines, 2015. Collection method: clinical testing. Allele origin: germline. Inheritance: Autosomal recessive inheritance. Affected: yes. Observed: 2 homozygotes. Clinical features observed: Mesomelic short stature (HP:0008845), Disproportionate short-limb short stature (HP:0008873).
Comment: Two affected siblings with short-limbed short stature were assessed for mutations in the NPR2 gene and a homozygous variant NM_003995.4: c.1673T>C (p.Ile558Thr) in NPR2 was detected using gene sequencing. This variant has been previously described in patients with familiar short stature and heterozygous NPR2 variants have been reported to be associated with short stature (Plachy et al., 2020). Furthermore, this variant is classified as likely pathogenic according to the ACMG guidelines.

Literature cited by the submitters: PubMed 31990356 (cited by Labcorp Genetics (formerly Invitae), Labcorp); PubMed 33288834 (cited by Labcorp Genetics (formerly Invitae), Labcorp); PubMed 36035248 (cited by Labcorp Genetics (formerly Invitae), Labcorp).